The following is an entry in ClinVar:

NM_000375.3(UROS):c.63+1G>A

Gene: UROS (uroporphyrinogen III synthase; minus strand). Cytogenetic location: 10q26.2.
Variant type: single nucleotide variant.
Coding change: c.63+1G>A on transcript NM_000375.3 (MANE Select); the canonical splice donor site of the intron after coding-DNA position 63, G replaced by A.
Molecular consequence: splice donor variant.
Genome position (GRCh38, 1-based): chr10:125,816,436, C>T on the plus strand (G>A on the coding strand, the complement: UROS is on the minus strand). VCF-style: chr10-125816436-C-T. GRCh37 (hg19) VCF-style: chr10-127505005-C-T.
Other names: IVS2DS, G-A, +1; c.63+1G>A (NM_000375.2, NM_001324038.2, NM_001324037.2 and 2 more transcripts).
Identifiers: ClinVar variation 3767 (VCV000003767.12), dbSNP rs373864821, ClinGen allele CA252874.

ClinVar aggregate classification (germline): Pathogenic/Likely pathogenic. Review status: criteria provided, multiple submitters, no conflicts (2 of 4 stars). 4 submissions from 4 submitters: Pathogenic (2); Likely pathogenic (1). 1 of the submissions does not count toward it. Last evaluated 2025-02-16.

Conditions:
UROS-related disorder. Also called: UROS-related condition.
Congenital erythropoietic porphyria. Also called: UROPORPHYRINOGEN III SYNTHASE DEFICIENCY; Porphyria, Erythropoietic; Congenital porphyria; Günther disease; Uroporphyrinogen III synthase, deficiency of; Cutaneous porphyria. Identifiers: Orphanet 79277, MedGen C5886774, MONDO:0009902, OMIM 263700.

Allele frequency attached by ClinVar (database versions not stated): TOPMed 0.00002; gnomAD 0.00005 and 0.00006; ExAC 0.00006; ESP Exome Variant Server 0.00015; gnomAD exomes 0.00002.
gnomAD v4.1: 47 of 1,614,000 alleles (0.0029%); highest among the groups gnomAD compares: Non-Finnish European, 0.004%; no homozygotes.

Submissions (4):

Laboratory of Genetics, Children's Clinical University Hospital Latvia
Classification: Pathogenic. Last evaluated: 2025-02-16. Review status: criteria provided, single submitter. Criteria: ACMG Guidelines, 2015. Collection method: clinical testing. Allele origin: germline. Affected: yes.

PreventionGenetics, part of Exact Sciences
Classification: Likely pathogenic for UROS-related condition. Last evaluated: 2023-06-05. Review status: criteria provided, single submitter. Criteria: ACMG Guidelines, 2015. Collection method: clinical testing. Allele origin: germline.
Comment: The UROS c.63+1G>A variant is predicted to disrupt the GT donor site and interfere with normal splicing. This variant was reported in an individual with Porphyria, erythropoietic (IVS2+1 in Xu et al. 1995. PubMed ID: 7860775; Solis et al. 2001. PubMed ID: 11254675). This variant is reported in 0.0070% of alleles in individuals of European (Non-Finnish) descent in gnomAD. Variants that disrupt the consensus splice donor site in UROS are expected to be pathogenic. This variant is interpreted as likely pathogenic.

Labcorp Genetics (formerly Invitae), Labcorp
Classification: Pathogenic. Last evaluated: 2021-07-21. Review status: criteria provided, single submitter. Criteria: Invitae Variant Classification Sherloc (09022015). Collection method: clinical testing. Allele origin: germline.
Comment: This variant is present in population databases (rs373864821, ExAC 0.01%). This sequence change affects a donor splice site in intron 2 of the UROS gene. RNA analysis indicates that this variant induces altered splicing and likely results in a shortened protein product. This variant has been observed in individual(s) with congenital erythropoietic porphyria (PMID: 7860775, 11254675). ClinVar contains an entry for this variant (Variation ID: 3767). Studies have shown that this variant is associated with skipping of exon 2 and is expected to result in the loss of the initiator methionine (PMID: 7860775). This variant disrupts the p.Val3 amino acid residue in UROS. Other variant(s) that disrupt this residue have been determined to be pathogenic (PMID: 9188670, 23626549, 19099412, Invitae). This suggests that this residue is clinically significant, and that variants that disrupt this residue are likely to be disease-causing. For these reasons, this variant has been classified as Pathogenic.

OMIM
Classification: Pathogenic for PORPHYRIA, CONGENITAL ERYTHROPOIETIC. Last evaluated: 2001-03-01. Review status: no assertion criteria provided. Collection method: literature only. Allele origin: germline. Not counted in ClinVar's aggregate classification.

Literature cited by the submitters: PubMed 7860775 (cited by Labcorp Genetics (formerly Invitae), Labcorp and OMIM); PubMed 11254675 (cited by Labcorp Genetics (formerly Invitae), Labcorp and OMIM); PubMed 9188670 (cited by Labcorp Genetics (formerly Invitae), Labcorp); PubMed 23626549 (cited by Labcorp Genetics (formerly Invitae), Labcorp); PubMed 19099412 (cited by Labcorp Genetics (formerly Invitae), Labcorp).